The following is an entry in ClinVar:

NM_032638.5(GATA2):c.1277C>A (p.Ser426Tyr)

Gene: GATA2 (GATA binding protein 2; minus strand). Cytogenetic location: 3q21.3.
Variant type: single nucleotide variant.
Coding change: c.1277C>A on transcript NM_032638.5 (MANE Select); coding-DNA position 1277, C replaced by A.
Protein change: p.Ser426Tyr; replaces serine 426 with tyrosine.
Molecular consequence: missense variant.
Genome position (GRCh38, 1-based): chr3:128,481,185, G>T on the plus strand (C>A on the coding strand, the complement: GATA2 is on the minus strand). VCF-style: chr3-128481185-G-T. GRCh37 (hg19) VCF-style: chr3-128200028-G-T.
Other names: c.1277C>A, p.Ser426Tyr (NM_001145661.2); c.1235C>A, p.Ser412Tyr (NM_001145662.1); short protein forms S412Y, S426Y.
Identifiers: ClinVar variation 1968892 (VCV001968892.6), dbSNP rs2068623288, ClinGen allele CA354412886.
Genomic context (GRCh38, chr3:128,481,185, plus strand): 5'-AAGGGCGGGAGGTGGCCCACAGGTGCCATGTGTCCAGCCAGGGCAGCTGCACTGAAGGGG[G>T]ATGACTTCTCCTGCATGCACTTTGACAGCTCCTCGAAGCACTCCGCCCCTTTCTTGCTCT-3'
Protein context (NP_116027.2, residues 416-436): ELSKCMQEKS[Ser426Tyr]PFSAAALAGH

ClinVar aggregate classification (germline): Uncertain significance. Review status: criteria provided, multiple submitters, no conflicts (2 of 4 stars). 2 submissions from 2 submitters: Uncertain significance (2). Last evaluated 2026-06-20.

Conditions:
Inborn genetic diseases. Identifiers: MedGen C0950123, MeSH D030342.
Deafness-lymphedema-leukemia syndrome. Also called: Lymphedema, primary, with myelodysplasia; Emberger syndrome. Identifiers: Orphanet 3226, MedGen C3279664, MONDO:0013540, OMIM 614038.
Monocytopenia with susceptibility to infections. Also called: MONOCYTOPENIA AND MYCOBACTERIAL INFECTION SYNDROME; MONOCYTOPENIA WITH SUSCEPTIBILITY TO MYCOBACTERIAL, FUNGAL, AND PAPILLOMAVIRUS INFECTIONS AND MYELODYSPLASIA; COMBINED IMMUNODEFICIENCY WITH SUSCEPTIBILITY TO MYCOBACTERIAL, VIRAL, AND FUNGAL INFECTIONS; Dendritic cell, monocyte, B lymphocyte, and natural killer lymphocyte deficiency; IMMUNODEFICIENCY 21; GATA2 DEFICIENCY. Identifiers: Orphanet 228423, MedGen C3280030, MONDO:0013607, OMIM 614172.

Allele frequency attached by ClinVar (database versions not stated): gnomAD exomes below 0.00001.

Submissions (2):

Ambry Genetics
Classification: Uncertain significance for Inborn genetic diseases. Last evaluated: 2026-06-20. Review status: criteria provided, single submitter. Criteria: Ambry Variant Classification Scheme 2023. Collection method: clinical testing. Allele origin: germline.
Comment: The p.S426Y variant (also known as c.1277C>A), located in coding exon 5 of the GATA2 gene, results from a C to A substitution at nucleotide position 1277. The serine at codon 426 is replaced by tyrosine, an amino acid with dissimilar properties. This amino acid position is conserved. In addition, the in silico prediction for this alteration is inconclusive. Based on the available evidence, the clinical significance of this variant remains unclear.

Labcorp Genetics (formerly Invitae), Labcorp
Classification: Uncertain significance for Monocytopenia with susceptibility to infections; Deafness-lymphedema-leukemia syndrome. Last evaluated: 2022-07-21. Review status: criteria provided, single submitter. Criteria: Invitae Variant Classification Sherloc (09022015). Collection method: clinical testing. Allele origin: germline.
Comment: This sequence change replaces serine, which is neutral and polar, with tyrosine, which is neutral and polar, at codon 426 of the GATA2 protein (p.Ser426Tyr). This variant is not present in population databases (gnomAD no frequency). This variant has not been reported in the literature in individuals affected with GATA2-related conditions. Algorithms developed to predict the effect of missense changes on protein structure and function (SIFT, PolyPhen-2, Align-GVGD) all suggest that this variant is likely to be tolerated. In summary, the available evidence is currently insufficient to determine the role of this variant in disease. Therefore, it has been classified as a Variant of Uncertain Significance.